The following is an entry in ClinVar:

ClinVar aggregate classification (germline): Uncertain significance (1 of 4 stars; one submission).

Conditions:
Cardiovascular phenotype. Identifiers: MedGen CN230736.

gnomAD v4.1: 1 of 1,613,300 alleles (0.000062%); highest among the groups gnomAD compares: Admixed American, 0.0017%; no homozygotes.

Submission:

Ambry Genetics
Classification: Uncertain significance for Cardiovascular phenotype. Last evaluated: 2026-08-08. Review status: criteria provided, single submitter. Criteria: Ambry Variant Classification Scheme 2023. Collection method: clinical testing. Allele origin: germline.
Comment: The p.I734S variant (also known as c.2201T>G), located in coding exon 14 of the SOS2 gene, results from a T to G substitution at nucleotide position 2201. The isoleucine at codon 734 is replaced by serine, an amino acid with dissimilar properties. This amino acid position is conserved. In addition, the in silico prediction for this alteration is inconclusive. Based on the available evidence, the clinical significance of this variant remains unclear.

NM_006939.4(SOS2):c.2201T>G (p.Ile734Ser)

Gene: SOS2 (SOS Ras/Rho guanine nucleotide exchange factor 2; minus strand). Cytogenetic location: 14q21.3.
Variant type: single nucleotide variant.
Coding change: c.2201T>G on transcript NM_006939.4 (MANE Select); coding-DNA position 2201, T replaced by G.
Protein change: p.Ile734Ser; replaces isoleucine 734 with serine.
Molecular consequence: missense variant.
Genome position (GRCh38, 1-based): chr14:50,150,191, A>C on the plus strand (T>G on the coding strand, the complement: SOS2 is on the minus strand). VCF-style: chr14-50150191-A-C. GRCh37 (hg19) VCF-style: chr14-50616909-A-C.
Other names: c.2102T>G, p.Ile701Ser (NM_001411020.1); short protein forms I701S, I734S.
Identifiers: ClinVar variation 5030031 (VCV005030031.1).
Genomic context (GRCh38, chr14:50,150,191, plus strand): 5'-CTTTCAAAGGTAATATTATGGCTTACTCCGTTTGCCTGAGCTTGCTTCTTCCTCCTGATG[A>C]TCTTAGCAATTGACTCTACCCATTTTTTCATAGCTTTCCCTGGAAAAAGAACACATAAAG-3'
Protein context (NP_008870.2, residues 724-744): MKKWVESIAK[Ile734Ser]IRRKKQAQAN